The following is an entry in ClinVar:

NM_025099.6(CTC1):c.3458G>A (p.Arg1153His)

Gene: CTC1 (CST telomere replication complex component 1; minus strand). Cytogenetic location: 17p13.1.
Variant type: single nucleotide variant.
Coding change: c.3458G>A on transcript NM_025099.6 (MANE Select); coding-DNA position 3458, G replaced by A.
Protein change: p.Arg1153His; replaces arginine 1153 with histidine.
Molecular consequence: missense variant. On other transcripts: non-coding transcript variant (1).
Genome position (GRCh38, 1-based): chr17:8,228,559, C>T on the plus strand (G>A on the coding strand, the complement: CTC1 is on the minus strand). VCF-style: chr17-8228559-C-T. GRCh37 (hg19) VCF-style: chr17-8131877-C-T.
Other names: short protein forms R1153H.
Identifiers: ClinVar variation 954961 (VCV000954961.10), dbSNP rs748674791, ClinGen allele CA397968434.
Genomic context (GRCh38, chr17:8,228,559, plus strand): 5'-TTACCTAATGGGACGATCTTCGACGGTTTCCTTTCCAGCTCAAAAGAAAGCACAATAGGA[C>T]GGAGGACAGAGGGGCTAGTACAAAGTGTCCAGAGGAACATGGTCATGGGCTCGTCAACCC-3'
Protein context (NP_079375.3, residues 1143-1163): WTLCTSPSVL[Arg1153His]PIVLSFELER

ClinVar aggregate classification (germline): Uncertain significance. Review status: criteria provided, multiple submitters, no conflicts (2 of 4 stars). 3 submissions from 3 submitters: Uncertain significance (3). Last evaluated 2025-09-02.

Conditions:
Dyskeratosis congenita. Identifiers: Orphanet 1775, MedGen C0265965, MONDO:0015780.
Cerebroretinal microangiopathy with calcifications and cysts 1 (CRMCC1). Identifiers: Orphanet 313838, MedGen C4552029, MONDO:0024564, OMIM 612199.

Allele frequency attached by ClinVar (database versions not stated): TOPMed below 0.00001; gnomAD 0.00001.
gnomAD v4.1: 31 of 1,613,970 alleles (0.0019%); highest among the groups gnomAD compares: Middle Eastern, 0.016%; no homozygotes.

Submissions (3):

Labcorp Genetics (formerly Invitae), Labcorp
Classification: Uncertain significance for Dyskeratosis congenita. Last evaluated: 2025-09-02. Review status: criteria provided, single submitter. Criteria: Invitae Variant Classification Sherloc (09022015). Collection method: clinical testing. Allele origin: germline.
Comment: This sequence change replaces arginine, which is basic and polar, with histidine, which is basic and polar, at codon 1153 of the CTC1 protein (p.Arg1153His). This variant is present in population databases (no rsID available, gnomAD 0.005%). This variant has not been reported in the literature in individuals affected with CTC1-related conditions. ClinVar contains an entry for this variant (Variation ID: 954961). An algorithm developed to predict the effect of missense changes on protein structure and function (PolyPhen-2) suggests that this variant is likely to be disruptive. In summary, the available evidence is currently insufficient to determine the role of this variant in disease. Therefore, it has been classified as a Variant of Uncertain Significance.

Fulgent Genetics
Classification: Uncertain significance for Cerebroretinal microangiopathy with calcifications and cysts 1. Last evaluated: 2024-04-23. Review status: criteria provided, single submitter. Criteria: ACMG Guidelines, 2015. Collection method: clinical testing. Allele origin: germline.

GeneDx
Classification: Uncertain significance. Last evaluated: 2022-04-26. Review status: criteria provided, single submitter. Criteria: GeneDx Variant Classification Process June 2021. Collection method: clinical testing. Allele origin: germline. Affected: yes.
Comment: In silico analysis supports that this missense variant has a deleterious effect on protein structure/function; Has not been previously published as pathogenic or benign to our knowledge